The following is an entry in ClinVar:

ClinVar aggregate classification (germline): Uncertain significance (1 of 4 stars; one submission).

Submission:

GeneDx
Classification: Uncertain significance. Last evaluated: 2023-01-04. Review status: criteria provided, single submitter. Criteria: GeneDx Variant Classification Process June 2021. Collection method: clinical testing. Allele origin: germline. Affected: yes.
Comment: Not observed at significant frequency in large population cohorts (gnomAD); Frameshift variant predicted to result in protein truncation or nonsense mediated decay in a gene or region of a gene for which loss of function is not a well-established mechanism of disease; Has not been previously published as pathogenic or benign to our knowledge

NM_024725.4(CCDC82):c.1269del (p.Cys424fs)

Gene: CCDC82 (coiled-coil domain containing 82; minus strand). Cytogenetic location: 11q21.
Variant type: Deletion.
Coding change: c.1269del on transcript NM_024725.4 (MANE Select); coding-DNA position 1269, one base deleted (C; older notation c.1269delC).
Protein change: p.Cys424fs; shifts the reading frame from cysteine 424.
Molecular consequence: frameshift variant.
Genome position (GRCh38, 1-based): chr11:96,365,091, G deleted on the plus strand (C on the coding strand, the reverse complement: CCDC82 is on the minus strand); the first of 2 consecutive G bases (chr11:96,365,091-96,365,092); deleting either gives the same sequence. VCF-style (leftmost placement, unchanged base first): chr11-96365090-AG-A. GRCh37 (hg19) VCF-style: chr11-96098254-AG-A.
Other names: c.1269del, p.Cys424fs (NM_001318736.2); c.1200del, p.Cys401fs (NM_001363594.2); short protein forms C401fs, C424fs.
Identifiers: ClinVar variation 2571726 (VCV002571726.1), dbSNP rs2496355165, ClinGen allele CA2580616406.